The following is an entry in ClinVar:

NM_002816.5(PSMD12):c.1A>G (p.Met1Val)

Genes: PSMD12 (proteasome 26S subunit, non-ATPase 12; minus strand), LOC130061480 (ATAC-STARR-seq lymphoblastoid active region 12622; plus strand). Cytogenetic location: 17q24.2.
Variant type: single nucleotide variant.
Coding change: c.1A>G on transcript NM_002816.5 (MANE Select); coding-DNA position 1, A replaced by G.
Protein change: p.Met1Val; changes the start codon (methionine 1).
Molecular consequence: missense variant, initiator codon variant. On other transcripts: 5 prime UTR variant (1).
Genome position (GRCh38, 1-based): chr17:67,366,519, T>C on the plus strand (A>G on the coding strand, the complement: PSMD12 is on the minus strand). VCF-style: chr17-67366519-T-C. GRCh37 (hg19) VCF-style: chr17-65362635-T-C.
Other names: c.-461A>G (NM_001316341.2); c.1A>G, p.Met1Val (NM_174871.4); short protein forms M1V.
Identifiers: ClinVar variation 4535240 (VCV004535240.6).

ClinVar aggregate classification (germline): Uncertain significance (1 of 4 stars; one submission).

Submission:

CeGaT Center for Human Genetics Tuebingen
Classification: Uncertain significance. Last evaluated: 2025-11-01. Review status: criteria provided, single submitter. Criteria: CeGaT Center For Human Genetics Tuebingen Variant Classification Criteria Version 2. Collection method: clinical testing. Allele origin: germline. Affected: yes. Observed: 1 variant allele.
Comment: PSMD12: PM2, PVS1:Supporting